The following is an entry in ClinVar:

ClinVar aggregate classification (germline): Uncertain significance (1 of 4 stars; one submission).

Allele frequency attached by ClinVar (database versions not stated): ExAC 0.00002; gnomAD 0.00003; TOPMed 0.00004.
gnomAD v4.1: 52 of 1,612,976 alleles (0.0032%); highest among the groups gnomAD compares: Middle Eastern, 0.016%; no homozygotes.

Submission:

Labcorp Genetics (formerly Invitae), Labcorp
Classification: Uncertain significance. Last evaluated: 2023-04-10. Review status: criteria provided, single submitter. Criteria: Invitae Variant Classification Sherloc (09022015). Collection method: clinical testing. Allele origin: germline.
Comment: In summary, the available evidence is currently insufficient to determine the role of this variant in disease. Therefore, it has been classified as a Variant of Uncertain Significance. Advanced modeling of protein sequence and biophysical properties (such as structural, functional, and spatial information, amino acid conservation, physicochemical variation, residue mobility, and thermodynamic stability) performed at Invitae indicates that this missense variant is expected to disrupt TRAPPC12 protein function. This variant has not been reported in the literature in individuals affected with TRAPPC12-related conditions. This variant is present in population databases (rs776815332, gnomAD 0.004%). This sequence change replaces proline, which is neutral and non-polar, with threonine, which is neutral and polar, at codon 465 of the TRAPPC12 protein (p.Pro465Thr).

NM_016030.6(TRAPPC12):c.1393C>A (p.Pro465Thr)

Gene: TRAPPC12 (trafficking protein particle complex subunit 12; plus strand). Cytogenetic location: 2p25.3.
Variant type: single nucleotide variant.
Coding change: c.1393C>A on transcript NM_016030.6 (MANE Select); coding-DNA position 1393, C replaced by A.
Protein change: p.Pro465Thr; replaces proline 465 with threonine.
Molecular consequence: missense variant.
Genome position (GRCh38, 1-based): chr2:3,424,639, C>A. VCF-style: chr2-3424639-C-A. GRCh37 (hg19) VCF-style: chr2-3428410-C-A.
Other names: c.1393C>A, p.Pro465Thr (NM_001321102.2); short protein forms P465T.
Identifiers: ClinVar variation 2977952 (VCV002977952.3), dbSNP rs776815332, ClinGen allele CA1515403.